The following is an entry in ClinVar:

ClinVar aggregate classification (germline): Uncertain significance (1 of 4 stars; one submission).

Conditions:
KBG syndrome (KBGS). Also called: ANKRD11-Related KBG Syndrome. Identifiers: Orphanet 2332, MedGen C0220687, MONDO:0007846, OMIM 148050.

Allele frequency attached by ClinVar (database versions not stated): ExAC 0.00001; gnomAD 0.00001; gnomAD exomes 0.00001; TOPMed 0.00001.
gnomAD v4.1: 22 of 1,613,970 alleles (0.0014%); highest among the groups gnomAD compares: Middle Eastern, 0.016%; no homozygotes.

Submission:

Labcorp Genetics (formerly Invitae), Labcorp
Classification: Uncertain significance for KBG syndrome. Last evaluated: 2023-06-14. Review status: criteria provided, single submitter. Criteria: Invitae Variant Classification Sherloc (09022015). Collection method: clinical testing. Allele origin: germline.
Comment: This sequence change replaces serine, which is neutral and polar, with glycine, which is neutral and non-polar, at codon 1754 of the ANKRD11 protein (p.Ser1754Gly). This variant is present in population databases (rs756106781, gnomAD 0.003%). This variant has not been reported in the literature in individuals affected with ANKRD11-related conditions. Advanced modeling of protein sequence and biophysical properties (such as structural, functional, and spatial information, amino acid conservation, physicochemical variation, residue mobility, and thermodynamic stability) performed at Invitae indicates that this missense variant is not expected to disrupt ANKRD11 protein function. In summary, the available evidence is currently insufficient to determine the role of this variant in disease. Therefore, it has been classified as a Variant of Uncertain Significance.

NM_013275.6(ANKRD11):c.5260A>G (p.Ser1754Gly)

Gene: ANKRD11 (ankyrin repeat domain 11; minus strand). Cytogenetic location: 16q24.3.
Variant type: single nucleotide variant.
Coding change: c.5260A>G on transcript NM_013275.6 (MANE Select); coding-DNA position 5260, A replaced by G.
Protein change: p.Ser1754Gly; replaces serine 1754 with glycine.
Molecular consequence: missense variant.
Genome position (GRCh38, 1-based): chr16:89,281,282, T>C on the plus strand (A>G on the coding strand, the complement: ANKRD11 is on the minus strand). VCF-style: chr16-89281282-T-C. GRCh37 (hg19) VCF-style: chr16-89347690-T-C.
Other names: c.5260A>G, p.Ser1754Gly (NM_001256182.2, NM_001256183.2); short protein forms S1754G.
Identifiers: ClinVar variation 2729468 (VCV002729468.3), dbSNP rs756106781, ClinGen allele CA8241889.
Genomic context (GRCh38, chr16:89,281,282, plus strand): 5'-TTTCCGAAAGCCCACTTGAAGCCACGGAGAACCTGTCGAAAAAGGAGGGGGAGCAGGCGC[T>C]GGTGGGAGCGGTGGGCACGGGCGTGGAGTGCTGCGAGTCGGCGCAGTCGAACACGAGGTC-3'
Protein context (NP_037407.4, residues 1744-1764): HSTPVPTAPT[Ser1754Gly]ACSPSFFDRF